The following is an entry in ClinVar:

NM_000350.3(ABCA4):c.6249C>T (p.Ile2083=)

Gene: ABCA4 (ATP binding cassette subfamily A member 4; minus strand). Cytogenetic location: 1p22.1.
Variant type: single nucleotide variant.
Coding change: c.6249C>T on transcript NM_000350.3 (MANE Select); coding-DNA position 6249, C replaced by T.
Protein change: p.Ile2083=; no amino-acid change (isoleucine 2083 retained).
Molecular consequence: synonymous variant.
Genome position (GRCh38, 1-based): chr1:94,001,891, G>A on the plus strand (C>T on the coding strand, the complement: ABCA4 is on the minus strand). VCF-style: chr1-94001891-G-A. GRCh37 (hg19) VCF-style: chr1-94467447-G-A.
Other names: p.I2083I:ATC>ATT; c.6027C>T, p.Ile2009= (NM_001425324.1).
Identifiers: ClinVar variation 99440 (VCV000099440.23), dbSNP rs1801359, ClinGen allele CA202924.

ClinVar aggregate classification (germline): Benign/Likely benign. Review status: criteria provided, multiple submitters, no conflicts (2 of 4 stars). 10 submissions from 10 submitters: Benign (6); Likely benign (3). 1 of the submissions does not count toward it. Last evaluated 2026-02-04.

Conditions:
ABCA4-related disorder. Also called: ABCA4-related condition; ABCA4-related disorders. Identifiers: MedGen CN239167.
Retinal dystrophy. Also called: Inherited retinal dystrophy. Identifiers: Orphanet 71862, MedGen C0854723, MeSH D058499, MONDO:0019118, HP:0000556.
Cone-rod dystrophy 3 (CORD3). Identifiers: Orphanet 1872, MedGen C1858806, MONDO:0011395, OMIM 604116.
Age related macular degeneration 2. Also called: MACULAR DEGENERATION, SENILE; MACULOPATHY, AGE-RELATED, 2; MACULOPATHY, AGE-RELATED. Identifiers: MedGen C3495438, MONDO:0007932, OMIM 153800.
Retinitis pigmentosa 19 (RP19). Also called: ABCA4-Related Retinitis Pigmentosa. Identifiers: Orphanet 791, MedGen C1866422, MONDO:0011137, OMIM 601718.
Severe early-childhood-onset retinal dystrophy (STGD1). Also called: MACULAR DYSTROPHY WITH FLECKS, TYPE 1; STGD; Stargardt disease 1; Stargardt macular dystrophy; Juvenile onset macular degeneration. Identifiers: Orphanet 364055, Orphanet 827, MedGen C1855465, MeSH D000080362, MONDO:0009549, OMIM 248200.

Allele frequency attached by ClinVar (database versions not stated): gnomAD 0.12697 and 0.13311; 1000 Genomes Project 30x 0.13335; 1000 Genomes Project 0.13399; TOPMed 0.13923; ESP Exome Variant Server 0.14601.
gnomAD v4.1: 117,003 of 1,614,070 alleles (7.2%); highest among the groups gnomAD compares: African/African-American, 30%; 6,526 homozygotes.

Submissions (10):

Labcorp Genetics (formerly Invitae), Labcorp
Classification: Benign. Last evaluated: 2026-02-04. Review status: criteria provided, single submitter. Criteria: Invitae Variant Classification Sherloc (09022015). Collection method: clinical testing. Allele origin: germline.

Blueprint Genetics
Classification: Likely benign. Last evaluated: 2024-11-26. Review status: criteria provided, single submitter. Criteria: ACMG Guidelines, 2015. Collection method: clinical testing. Allele origin: germline.

Dept Of Ophthalmology, Nagoya University
Classification: Benign for Retinal dystrophy. Last evaluated: 2023-10-01. Review status: criteria provided, single submitter. Criteria: Submitter's publication. Collection method: research. Allele origin: germline. Affected: yes.

Fulgent Genetics
Classification: Benign for Age related macular degeneration 2; Severe early-childhood-onset retinal dystrophy; Retinitis pigmentosa 19; Cone-rod dystrophy 3. Last evaluated: 2021-07-15. Review status: criteria provided, single submitter. Criteria: ACMG Guidelines, 2015. Collection method: clinical testing. Allele origin: unknown.

Illumina Laboratory Services, Illumina
Classification: Likely benign for ABCA4-Related Disorders. Last evaluated: 2017-04-27. Review status: criteria provided, single submitter. Criteria: ICSL Variant Classification Criteria 13 December 2019. Collection method: clinical testing. Allele origin: germline.
Comment: This variant was observed as part of a predisposition screen in an ostensibly healthy population. A literature search was performed for the gene, cDNA change, and amino acid change (where applicable). No publications were found based on this search. Allele frequency data from public databases allowed determination this variant is unlikely to cause disease. Therefore, this variant is classified as likely benign.

Eurofins Ntd Llc (ga)
Classification: Benign. Last evaluated: 2014-08-25. Review status: criteria provided, single submitter. Criteria: EGL Classification Definitions 2015. Collection method: clinical testing. Allele origin: germline. Observed: 3 variant alleles, 3 heterozygotes.

GeneDx
Classification: Benign. Last evaluated: 2011-07-05. Review status: criteria provided, single submitter. Criteria: GeneDx Variant Classification (06012015). Collection method: clinical testing. Allele origin: germline. Affected: yes.
Comment: This variant is considered likely benign or benign based on one or more of the following criteria: it is a conservative change, it occurs at a poorly conserved position in the protein, it is predicted to be benign by multiple in silico algorithms, and/or has population frequency not consistent with disease.

Breakthrough Genomics
Classification: Likely benign. Review status: criteria provided, single submitter. Criteria: ACMG Guidelines, 2015. Collection method: not provided. Allele origin: germline. Inheritance: Autosomal recessive inheritance. Affected: yes.

PreventionGenetics, part of Exact Sciences
Classification: Benign. Review status: criteria provided, single submitter. Criteria: ACMG Guidelines, 2015. Collection method: clinical testing. Allele origin: germline.

Retina International
No classification provided. Review status: no classification provided. Collection method: not provided. Allele origin: not provided. Not counted in ClinVar's aggregate classification.